The following is an entry in ClinVar:

NM_199420.4(POLQ):c.5581A>G (p.Ser1861Gly)

Gene: POLQ (DNA polymerase theta; minus strand). Cytogenetic location: 3q13.33.
Variant type: single nucleotide variant.
Coding change: c.5581A>G on transcript NM_199420.4 (MANE Select); coding-DNA position 5581, A replaced by G.
Protein change: p.Ser1861Gly; replaces serine 1861 with glycine.
Molecular consequence: missense variant.
Genome position (GRCh38, 1-based): chr3:121,487,350, T>C on the plus strand (A>G on the coding strand, the complement: POLQ is on the minus strand). VCF-style: chr3-121487350-T-C. GRCh37 (hg19) VCF-style: chr3-121206197-T-C.
Other names: short protein forms S1861G.
Identifiers: ClinVar variation 1748429 (VCV001748429.2), dbSNP rs2546784577, ClinGen allele CA354089864.

ClinVar aggregate classification (germline): Uncertain significance (1 of 4 stars; one submission).

Submission:

Ambry Genetics
Classification: Uncertain significance. Last evaluated: 2022-07-04. Review status: criteria provided, single submitter. Criteria: Ambry Variant Classification Scheme 2023. Collection method: clinical testing. Allele origin: germline.
Comment: The p.S1861G variant (also known as c.5581A>G), located in coding exon 16 of the POLQ gene, results from an A to G substitution at nucleotide position 5581. The serine at codon 1861 is replaced by glycine, an amino acid with similar properties. This amino acid position is conserved. In addition, this alteration is predicted to be tolerated by in silico analysis. Since supporting evidence is limited at this time, the clinical significance of this alteration remains unclear.